The following is an entry in ClinVar:

NM_000455.5(STK11):c.526G>A (p.Asp176Asn)

Gene: STK11 (serine/threonine kinase 11; plus strand). Cytogenetic location: 19p13.3.
Variant type: single nucleotide variant.
Coding change: c.526G>A on transcript NM_000455.5 (MANE Select); coding-DNA position 526, G replaced by A.
Protein change: p.Asp176Asn; replaces aspartic acid 176 with asparagine.
Molecular consequence: missense variant.
Genome position (GRCh38, 1-based): chr19:1,220,434, G>A. VCF-style: chr19-1220434-G-A. GRCh37 (hg19) VCF-style: chr19-1220433-G-A.
Other names: short protein forms D176N.
Identifiers: ClinVar variation 182907 (VCV000182907.18), dbSNP rs730881979, ClinGen allele CA023060.

ClinVar aggregate classification (germline): Pathogenic. Review status: criteria provided, multiple submitters, no conflicts (2 of 4 stars). 4 submissions from 4 submitters: Pathogenic (4). Last evaluated 2024-11-18.

Conditions:
Hereditary cancer-predisposing syndrome. Also called: Tumor predisposition; Hereditary Cancer Syndrome; Hereditary neoplastic syndrome; Neoplastic Syndromes, Hereditary. Identifiers: Orphanet 140162, MedGen C0027672, MeSH D009386, MONDO:0015356.
Peutz-Jeghers syndrome (PJS). Also called: POLYPOSIS, HAMARTOMATOUS INTESTINAL; POLYPS-AND-SPOTS SYNDROME; Peutz-Jeghers polyposis; Periorificial lentiginosis syndrome. Identifiers: Orphanet 2869, MedGen C0031269, MeSH D010580, MONDO:0008280, OMIM 175200.

Submissions (4):

Labcorp Genetics (formerly Invitae), Labcorp
Classification: Pathogenic for Peutz-Jeghers syndrome. Last evaluated: 2024-11-18. Review status: criteria provided, single submitter. Criteria: Invitae Variant Classification Sherloc (09022015). Collection method: clinical testing. Allele origin: germline.
Comment: This sequence change replaces aspartic acid, which is acidic and polar, with asparagine, which is neutral and polar, at codon 176 of the STK11 protein (p.Asp176Asn). The frequency data for this variant in the population databases is considered unreliable, as metrics indicate poor data quality at this position in the gnomAD database. This missense change has been observed in individuals with Peutz-Jeghers syndrome (PJS) (PMID: 9399902, 9837816, 17924967, 24604241, 24652667). It has also been observed to segregate with disease in related individuals. ClinVar contains an entry for this variant (Variation ID: 182907). Invitae Evidence Modeling of protein sequence and biophysical properties (such as structural, functional, and spatial information, amino acid conservation, physicochemical variation, residue mobility, and thermodynamic stability) has been performed for this missense variant. However, the output from this modeling did not meet the statistical confidence thresholds required to predict the impact of this variant on STK11 protein function. Experimental studies have shown that this missense change affects STK11 function (PMID: 9837816, 10441497, 15987703). For these reasons, this variant has been classified as Pathogenic.

Ambry Genetics
Classification: Pathogenic for Hereditary cancer-predisposing syndrome. Last evaluated: 2023-09-29. Review status: criteria provided, single submitter. Criteria: Ambry Variant Classification Scheme 2023. Collection method: clinical testing. Allele origin: germline.
Comment: The p.D176N pathogenic mutation (also known as c.526G>A), located in coding exon 4 of the STK11 gene, results from a G to A substitution at nucleotide position 526. The aspartic acid at codon 176 is replaced by asparagine, an amino acid with highly similar properties. This alteration has been reported in several individuals affected with Peutz-Jeghers syndrome (de Leng WW et al. Clin. Genet., 2007 Dec;72:568-73; Yang HR et al. Dig. Dis. Sci., 2010 Dec;55:3458-65; Wang Z et al. Hum. Mutat., 2014 Jul;35:851-8; Dai L et al. Dig. Dis. Sci., 2014 Aug;59:1856-61; Chiang JM et al. Asian J Surg, 2018 Sep;41:480-485), and has been shown to segregate with disease in one family (Mehenni H et al. Am. J. Hum. Genet., 1997 Dec;61:1327-34). Functional studies of this alteration have also demonstrated severely reduced autophosphorylation compared to wild type STK11 in an in vitro protein kinase assay. This alteration also demonstrated subcellular localization similar to wildtype and maintained interaction with PTEN (Mehenni H et al. Am. J. Hum. Genet., 1998 Dec;63:1641-50; Mehenni H et al. Hum. Mol. Genet., 2005 Aug;14:2209-19). This amino acid position is highly conserved in available vertebrate species. In addition, the in silico prediction for this alteration is inconclusive. Based on the supporting evidence, this alteration is interpreted as a disease-causing mutation.

Genome-Nilou Lab
Classification: Pathogenic for Peutz-Jeghers syndrome. Last evaluated: 2021-07-15. Review status: criteria provided, single submitter. Criteria: ACMG Guidelines, 2015. Collection method: clinical testing. Allele origin: germline. Affected: no.

Quest Diagnostics Nichols Institute San Juan Capistrano
Classification: Pathogenic. Last evaluated: 2018-03-16. Review status: criteria provided, single submitter. Criteria: Quest Diagnostics criteria. Collection method: clinical testing. Allele origin: germline.

Literature cited by the submitters: PubMed 9399902 (cited by Labcorp Genetics (formerly Invitae), Labcorp and Ambry Genetics); PubMed 9837816 (cited by Labcorp Genetics (formerly Invitae), Labcorp and Ambry Genetics); PubMed 17924967 (cited by Labcorp Genetics (formerly Invitae), Labcorp and Ambry Genetics); PubMed 24604241 (cited by Labcorp Genetics (formerly Invitae), Labcorp and Ambry Genetics); PubMed 24652667 (cited by Labcorp Genetics (formerly Invitae), Labcorp and Ambry Genetics); PubMed 10441497 (cited by Labcorp Genetics (formerly Invitae), Labcorp); PubMed 15987703 (cited by Labcorp Genetics (formerly Invitae), Labcorp and Ambry Genetics); PubMed 20393878 (cited by Ambry Genetics); PubMed 28869103 (cited by Ambry Genetics).